The following is an entry in ClinVar:

ClinVar aggregate classification (germline): Uncertain significance (1 of 4 stars; one submission).

Submission:

Greenwood Genetic Center Diagnostic Laboratories, Greenwood Genetic Center
Classification: Uncertain significance. Last evaluated: 2025-04-28. Review status: criteria provided, single submitter. Criteria: ACMG Guidelines, 2015. Collection method: clinical testing. Allele origin: germline. Affected: yes.
Comment: PM2

NM_001325.3(CSTF2):c.1490G>T (p.Gly497Val)

Gene: CSTF2 (cleavage stimulation factor subunit 2; plus strand). Cytogenetic location: Xq22.1.
Variant type: single nucleotide variant.
Coding change: c.1490G>T on transcript NM_001325.3 (MANE Select); coding-DNA position 1490, G replaced by T.
Protein change: p.Gly497Val; replaces glycine 497 with valine.
Molecular consequence: missense variant.
Genome position (GRCh38, 1-based): chrX:100,833,462, G>T. VCF-style: chrX-100833462-G-T. GRCh37 (hg19) VCF-style: chrX-100088451-G-T.
Other names: c.1550G>T, p.Gly517Val (NM_001306206.2); c.1439G>T, p.Gly480Val (NM_001306209.2); short protein forms G480V, G497V, G517V.
Identifiers: ClinVar variation 4538195 (VCV004538195.1).